The following is an entry in ClinVar:

NM_000038.6(APC):c.2388T>G (p.Tyr796Ter)

Gene: APC (APC regulator of Wnt signaling pathway; plus strand). Cytogenetic location: 5q22.2.
Variant type: single nucleotide variant.
Coding change: c.2388T>G on transcript NM_000038.6 (MANE Select); coding-DNA position 2388, T replaced by G.
Protein change: p.Tyr796Ter; replaces tyrosine 796 with a stop codon.
Molecular consequence: nonsense.
Genome position (GRCh38, 1-based): chr5:112,837,982, T>G. VCF-style: chr5-112837982-T-G. GRCh37 (hg19) VCF-style: chr5-112173679-T-G.
Other names: c.2388T>G, p.Tyr796Ter (NM_001127510.3, NM_001354895.2); c.2334T>G, p.Tyr778Ter (NM_001127511.3); c.2442T>G, p.Tyr814Ter (NM_001354896.2); c.2418T>G, p.Tyr806Ter (NM_001354897.2); c.2313T>G, p.Tyr771Ter (NM_001354898.2); c.2304T>G, p.Tyr768Ter (NM_001354899.2); c.2265T>G, p.Tyr755Ter (NM_001354900.2); c.2211T>G, p.Tyr737Ter (NM_001354901.2); and 5 more; short protein forms Y705*, Y778*, Y806*, Y636*, Y737*, Y755*, Y771*, Y814*.
Identifiers: ClinVar variation 926508 (VCV000926508.4), dbSNP rs1554084124, ClinGen allele CA16026580.

ClinVar aggregate classification (germline): Pathogenic. Review status: criteria provided, multiple submitters, no conflicts (2 of 4 stars). 2 submissions from 2 submitters: Pathogenic (2). Last evaluated 2025-05-09.

Conditions:
Hereditary cancer-predisposing syndrome. Also called: Neoplastic Syndromes, Hereditary; Tumor predisposition; Hereditary Cancer Syndrome; Hereditary neoplastic syndrome. Identifiers: Orphanet 140162, MedGen C0027672, MeSH D009386, MONDO:0015356.

Submissions (2):

Quest Diagnostics Nichols Institute San Juan Capistrano
Classification: Pathogenic. Last evaluated: 2025-05-09. Review status: criteria provided, single submitter. Criteria: Quest Diagnostics criteria. Collection method: clinical testing. Allele origin: unknown.
Comment: The APC c.2388T>G (p.Tyr796*) variant causes the premature termination of APC protein synthesis. This variant has been reported in the published literature in individuals with familial adenomatous polyposis (PMID: 10470088 (1999)), unspecified cancer (PMID: 38795236 (2024)), and in reportedly unaffected individual (PMID: 34587721 (2021)). This variant has not been reported in large, multi-ethnic general populations (Genome Aggregation Database). Based on the available information, this variant is classified as pathogenic.

Color Diagnostics, LLC DBA Color Health
Classification: Pathogenic for Hereditary cancer-predisposing syndrome. Last evaluated: 2020-03-21. Review status: criteria provided, single submitter. Criteria: ACMG Guidelines, 2015. Collection method: clinical testing. Allele origin: germline.
Comment: This variant changes 1 nucleotide in exon 16 of the APC gene, creating a premature translation stop signal. This variant is expected to result in an absent or non-functional protein product. To our knowledge, this variant has not been reported in individuals affected with hereditary cancer in the literature. This variant has not been identified in the general population by the Genome Aggregation Database (gnomAD). Loss of APC function is a known mechanism of disease. Based on the available evidence, this variant is classified as Pathogenic.

Literature cited by the submitters: PubMed 34587721 (cited by Quest Diagnostics Nichols Institute San Juan Capistrano); PubMed 10470088 (cited by Quest Diagnostics Nichols Institute San Juan Capistrano); PubMed 30202008 (cited by Quest Diagnostics Nichols Institute San Juan Capistrano); PubMed 38795236 (cited by Quest Diagnostics Nichols Institute San Juan Capistrano).